The following is an entry in ClinVar:

ClinVar aggregate classification (germline): Uncertain significance. Review status: criteria provided, multiple submitters, no conflicts (2 of 4 stars). 2 submissions from 2 submitters: Uncertain significance (2). Last evaluated 2023-08-17.

Conditions:
Brugada syndrome. Also called: Sudden unexplained nocturnal death syndrome; Sudden unexpected nocturnal death syndrome; Sudden Unexplained Death Syndrome; Sudden Unexplained Nocturnal Death Syndrome (SUNDS). Identifiers: Orphanet 130, MedGen C1142166, MONDO:0015263.
Cardiovascular phenotype. Identifiers: MedGen CN230736.

Allele frequency attached by ClinVar (database versions not stated): ExAC 0.00002; gnomAD 0.00002; TOPMed 0.00002.
gnomAD v4.1: 40 of 1,613,920 alleles (0.0025%); highest among the groups gnomAD compares: Non-Finnish European, 0.0029%; no homozygotes.

Submissions (2):

Labcorp Genetics (formerly Invitae), Labcorp
Classification: Uncertain significance for Brugada syndrome. Last evaluated: 2023-08-17. Review status: criteria provided, single submitter. Criteria: Invitae Variant Classification Sherloc (09022015). Collection method: clinical testing. Allele origin: germline.
Comment: This sequence change replaces isoleucine, which is neutral and non-polar, with leucine, which is neutral and non-polar, at codon 24 of the SCN10A protein (p.Ile24Leu). This variant is present in population databases (rs773989494, gnomAD 0.004%). This variant has not been reported in the literature in individuals affected with SCN10A-related conditions. ClinVar contains an entry for this variant (Variation ID: 1757155). Advanced modeling of protein sequence and biophysical properties (such as structural, functional, and spatial information, amino acid conservation, physicochemical variation, residue mobility, and thermodynamic stability) performed at Invitae indicates that this missense variant is not expected to disrupt SCN10A protein function. In summary, the available evidence is currently insufficient to determine the role of this variant in disease. Therefore, it has been classified as a Variant of Uncertain Significance.

Ambry Genetics
Classification: Uncertain significance for Cardiovascular phenotype. Last evaluated: 2022-06-02. Review status: criteria provided, single submitter. Criteria: Ambry Variant Classification Scheme 2023. Collection method: clinical testing. Allele origin: germline.
Comment: The p.I24L variant (also known as c.70A>T), located in coding exon 1 of the SCN10A gene, results from an A to T substitution at nucleotide position 70. The isoleucine at codon 24 is replaced by leucine, an amino acid with highly similar properties. This amino acid position is conserved. In addition, the in silico prediction for this alteration is inconclusive. Since supporting evidence is limited at this time, the clinical significance of this alteration remains unclear.

NM_006514.4(SCN10A):c.70A>T (p.Ile24Leu)

Gene: SCN10A (sodium voltage-gated channel alpha subunit 10; minus strand). Cytogenetic location: 3p22.2.
Variant type: single nucleotide variant.
Coding change: c.70A>T on transcript NM_006514.4 (MANE Select); coding-DNA position 70, A replaced by T.
Protein change: p.Ile24Leu; replaces isoleucine 24 with leucine.
Molecular consequence: missense variant.
Genome position (GRCh38, 1-based): chr3:38,793,941, T>A on the plus strand (A>T on the coding strand, the complement: SCN10A is on the minus strand). VCF-style: chr3-38793941-T-A. GRCh37 (hg19) VCF-style: chr3-38835432-T-A.
Other names: c.70A>T, p.Ile24Leu (NM_001293306.2, NM_001293307.2); short protein forms I24L.
Identifiers: ClinVar variation 1757155 (VCV001757155.7), dbSNP rs773989494, ClinGen allele CA2321308.